The following is an entry in ClinVar:

ClinVar aggregate classification (germline): Uncertain significance (1 of 4 stars; one submission).

Submission:

Labcorp Genetics (formerly Invitae), Labcorp
Classification: Uncertain significance. Last evaluated: 2023-08-04. Review status: criteria provided, single submitter. Criteria: Invitae Variant Classification Sherloc (09022015). Collection method: clinical testing. Allele origin: germline.
Comment: This variant is not present in population databases (gnomAD no frequency). This sequence change replaces valine, which is neutral and non-polar, with alanine, which is neutral and non-polar, at codon 190 of the PLA2G4A protein (p.Val190Ala). This variant has not been reported in the literature in individuals affected with PLA2G4A-related conditions. Advanced modeling of protein sequence and biophysical properties (such as structural, functional, and spatial information, amino acid conservation, physicochemical variation, residue mobility, and thermodynamic stability) performed at Invitae indicates that this missense variant is expected to disrupt PLA2G4A protein function. In summary, the available evidence is currently insufficient to determine the role of this variant in disease. Therefore, it has been classified as a Variant of Uncertain Significance. ClinVar contains an entry for this variant (Variation ID: 2094970).

NM_024420.3(PLA2G4A):c.569T>C (p.Val190Ala)

Gene: PLA2G4A (phospholipase A2 group IVA; plus strand). Cytogenetic location: 1q31.1.
Variant type: single nucleotide variant.
Coding change: c.569T>C on transcript NM_024420.3 (MANE Select); coding-DNA position 569, T replaced by C.
Protein change: p.Val190Ala; replaces valine 190 with alanine.
Molecular consequence: missense variant.
Genome position (GRCh38, 1-based): chr1:186,932,773, T>C. VCF-style: chr1-186932773-T-C. GRCh37 (hg19) VCF-style: chr1-186901905-T-C.
Other names: c.389T>C, p.Val130Ala (NM_001311193.2); short protein forms V130A, V190A.
Identifiers: ClinVar variation 2094970 (VCV002094970.4), dbSNP rs2526457221, ClinGen allele CA343933090.
Genomic context (GRCh38, chr1:186,932,773, plus strand): 5'-ATTTTATGATTTTTACTTTGTGTACAAATCTCTCTGTTGCATCGTTTCAGGTGCCTGTGG[T>C]AGCCATATTGGGTTCAGGTGGGGGTTTCCGAGCCATGGTGGGATTCTCTGGTGTGATGAA-3'
Protein context (NP_077734.2, residues 180-200): GLHSARDVPV[Val190Ala]AILGSGGGFR